The following is an entry in ClinVar:

ClinVar aggregate classification (germline): Uncertain significance (1 of 4 stars; one submission).

Allele frequency attached by ClinVar (database versions not stated): ExAC 0.00003; gnomAD 0.00004.
gnomAD v4.1: 68 of 1,554,736 alleles (0.0044%); highest among the groups gnomAD compares: Non-Finnish European, 0.0054%; no homozygotes.

Submission:

Labcorp Genetics (formerly Invitae), Labcorp
Classification: Uncertain significance. Last evaluated: 2025-09-25. Review status: criteria provided, single submitter. Criteria: Invitae Variant Classification Sherloc (09022015). Collection method: clinical testing. Allele origin: germline.
Comment: This sequence change replaces arginine, which is basic and polar, with glutamine, which is neutral and polar, at codon 399 of the CSF1R protein (p.Arg399Gln). This variant is present in population databases (rs775029262, gnomAD 0.005%). This variant has not been reported in the literature in individuals affected with CSF1R-related conditions. ClinVar contains an entry for this variant (Variation ID: 2153358). An algorithm developed to predict the effect of missense changes on protein structure and function outputs the following: PolyPhen-2: "Benign". The glutamine amino acid residue is found in multiple mammalian species, which suggests that this missense change does not adversely affect protein function. In summary, the available evidence is currently insufficient to determine the role of this variant in disease. Therefore, it has been classified as a Variant of Uncertain Significance.

NM_001288705.3(CSF1R):c.1196G>A (p.Arg399Gln)

Gene: CSF1R (colony stimulating factor 1 receptor; minus strand). Cytogenetic location: 5q32.
Variant type: single nucleotide variant.
Coding change: c.1196G>A on transcript NM_001288705.3 (MANE Select); coding-DNA position 1196, G replaced by A.
Protein change: p.Arg399Gln; replaces arginine 399 with glutamine.
Molecular consequence: missense variant. On other transcripts: non-coding transcript variant (2).
Genome position (GRCh38, 1-based): chr5:150,070,458, C>T on the plus strand (G>A on the coding strand, the complement: CSF1R is on the minus strand). VCF-style: chr5-150070458-C-T. GRCh37 (hg19) VCF-style: chr5-149450021-C-T.
Other names: c.1196G>A, p.Arg399Gln (NM_001349736.2, NM_001375320.1, NM_005211.4); c.752G>A, p.Arg251Gln (NM_001375321.1); short protein forms R399Q, R251Q.
Identifiers: ClinVar variation 2153358 (VCV002153358.4), dbSNP rs775029262, ClinGen allele CA3506932.